The following is an entry in ClinVar:

ClinVar aggregate classification (germline): Uncertain significance. Review status: criteria provided, multiple submitters, no conflicts (2 of 4 stars). 3 submissions from 3 submitters: Uncertain significance (3). Last evaluated 2024-12-09.

Conditions:
Inborn genetic diseases. Identifiers: MedGen C0950123, MeSH D030342.

Allele frequency attached by ClinVar (database versions not stated): ESP Exome Variant Server 0.00009.
gnomAD v4.1: 22 of 1,524,406 alleles (0.0014%); highest among the groups gnomAD compares: African/African-American, 0.029%; no homozygotes.

Submissions (3):

Ambry Genetics
Classification: Uncertain significance for Inborn genetic diseases. Last evaluated: 2024-12-09. Review status: criteria provided, single submitter. Criteria: Ambry Variant Classification Scheme 2023. Collection method: clinical testing. Allele origin: germline.

Labcorp Genetics (formerly Invitae), Labcorp
Classification: Uncertain significance. Last evaluated: 2023-08-30. Review status: criteria provided, single submitter. Criteria: Invitae Variant Classification Sherloc (09022015). Collection method: clinical testing. Allele origin: germline.
Comment: In summary, the available evidence is currently insufficient to determine the role of this variant in disease. Therefore, it has been classified as a Variant of Uncertain Significance. Advanced modeling of protein sequence and biophysical properties (such as structural, functional, and spatial information, amino acid conservation, physicochemical variation, residue mobility, and thermodynamic stability) performed at Invitae indicates that this missense variant is not expected to disrupt EARS2 protein function. ClinVar contains an entry for this variant (Variation ID: 1899769). This variant has not been reported in the literature in individuals affected with EARS2-related conditions. This variant is present in population databases (rs370900642, gnomAD 0.03%). This sequence change replaces arginine, which is basic and polar, with serine, which is neutral and polar, at codon 11 of the EARS2 protein (p.Arg11Ser).

GeneDx
Classification: Uncertain significance. Last evaluated: 2022-10-11. Review status: criteria provided, single submitter. Criteria: GeneDx Variant Classification Process June 2021. Collection method: clinical testing. Allele origin: germline. Affected: yes.
Comment: In silico analysis supports that this missense variant does not alter protein structure/function; Has not been previously published as pathogenic or benign to our knowledge

NM_001083614.2(EARS2):c.31C>A (p.Arg11Ser)

Genes: EARS2 (glutamyl-tRNA synthetase 2, mitochondrial; minus strand), LOC130058664 (ATAC-STARR-seq lymphoblastoid active region 10583; plus strand). Cytogenetic location: 16p12.2.
Variant type: single nucleotide variant.
Coding change: c.31C>A on transcript NM_001083614.2 (MANE Select); coding-DNA position 31, C replaced by A.
Protein change: p.Arg11Ser; replaces arginine 11 with serine.
Molecular consequence: missense variant. On other transcripts: non-coding transcript variant (1).
Genome position (GRCh38, 1-based): chr16:23,557,313, G>T on the plus strand (C>A on the coding strand, the complement: EARS2 is on the minus strand). VCF-style: chr16-23557313-G-T. GRCh37 (hg19) VCF-style: chr16-23568634-G-T.
Other names: c.31C>A, p.Arg11Ser (NM_001308211.1); short protein forms R11S.
Identifiers: ClinVar variation 1899769 (VCV001899769.8), dbSNP rs370900642, ClinGen allele CA7962767.